The following is an entry in ClinVar:

ClinVar aggregate classification (germline): Uncertain significance (1 of 4 stars; one submission).

Submission:

GeneDx
Classification: Uncertain significance. Last evaluated: 2025-07-23. Review status: criteria provided, single submitter. Criteria: GeneDx Variant Classification Process June 2021. Collection method: clinical testing. Allele origin: germline. Affected: yes.
Comment: Not observed at significant frequency in large population cohorts (gnomAD); Frameshift variant predicted to result in protein truncation or nonsense mediated decay in a gene for which loss-of-function is not a known mechanism of disease; Has not been previously published as pathogenic or benign to our knowledge

NM_022463.5(NXN):c.226del (p.Ala76fs)

Gene: NXN (nucleoredoxin; minus strand). Cytogenetic location: 17p13.3.
Variant type: Deletion.
Coding change: c.226del on transcript NM_022463.5 (MANE Select); coding-DNA position 226, one base deleted (G; older notation c.226delG).
Protein change: p.Ala76fs; shifts the reading frame from alanine 76.
Molecular consequence: frameshift variant.
Genome position (GRCh38, 1-based): chr17:979,453, C deleted on the plus strand (G on the coding strand, the reverse complement: NXN is on the minus strand); the first of 4 consecutive C bases (chr17:979,453-979,456); deleting any one gives the same sequence. VCF-style (leftmost placement, unchanged base first): chr17-979452-GC-G. GRCh37 (hg19) VCF-style: chr17-882692-GC-G.
Other names: short protein forms A76fs.
Identifiers: ClinVar variation 4686754 (VCV004686754.1).
Genomic context (GRCh38, chr17:979,452, plus strand): 5'-TCCTGGTCCGAGGACACGAAGACGATCTCCAGGCGCCGCCGCGGCTCGGGCTCCGCCGCC[GC>G]CCCGGCCCCCGCTCCCGGCCCCGGCCCGGCCGCCGCGTCCCCCCGCAGGCGCCCGTAGAA-3'